The following is an entry in ClinVar:

NM_181882.3(PRX):c.821G>A (p.Gly274Glu)

Gene: PRX (periaxin; minus strand). Cytogenetic location: 19q13.2.
Variant type: single nucleotide variant.
Coding change: c.821G>A on transcript NM_181882.3 (MANE Select); coding-DNA position 821, G replaced by A.
Protein change: p.Gly274Glu; replaces glycine 274 with glutamic acid.
Molecular consequence: missense variant. On other transcripts: 3 prime UTR variant (1).
Genome position (GRCh38, 1-based): chr19:40,397,531, C>T on the plus strand (G>A on the coding strand, the complement: PRX is on the minus strand). VCF-style: chr19-40397531-C-T. GRCh37 (hg19) VCF-style: chr19-40903438-C-T.
Other names: c.*1026G>A (NM_020956.2); short protein forms G274E.
Identifiers: ClinVar variation 1056377 (VCV001056377.9), dbSNP rs2145732081, ClinGen allele CA405899618.

ClinVar aggregate classification (germline): Uncertain significance (1 of 4 stars; one submission).

Conditions:
Charcot-Marie-Tooth disease type 4. Also called: Charcot-Marie-Tooth disease, type IV; Charcot-Marie-Tooth, Type 4. Identifiers: Orphanet 64749, MedGen C4082197, MONDO:0018995.

Submission:

Labcorp Genetics (formerly Invitae), Labcorp
Classification: Uncertain significance for Charcot-Marie-Tooth disease type 4. Last evaluated: 2020-06-17. Review status: criteria provided, single submitter. Criteria: Invitae Variant Classification Sherloc (09022015). Collection method: clinical testing. Allele origin: germline.
Comment: This sequence change replaces glycine with glutamic acid at codon 274 of the PRX protein (p.Gly274Glu). The glycine residue is highly conserved and there is a moderate physicochemical difference between glycine and glutamic acid. In summary, the available evidence is currently insufficient to determine the role of this variant in disease. Therefore, it has been classified as a Variant of Uncertain Significance. Algorithms developed to predict the effect of missense changes on protein structure and function are either unavailable or do not agree on the potential impact of this missense change (SIFT: "Tolerated"; PolyPhen-2: "Probably Damaging"; Align-GVGD: "Class C0"). This variant has not been reported in the literature in individuals with PRX-related conditions. The frequency data for this variant in the population databases is considered unreliable, as metrics indicate insufficient coverage at this position in the ExAC database.